The following is an entry in ClinVar:

NM_152309.3(PIK3AP1):c.113G>A (p.Arg38His)

Gene: PIK3AP1 (phosphoinositide-3-kinase adaptor protein 1; minus strand). Cytogenetic location: 10q24.1.
Variant type: single nucleotide variant.
Coding change: c.113G>A on transcript NM_152309.3 (MANE Select); coding-DNA position 113, G replaced by A.
Protein change: p.Arg38His; replaces arginine 38 with histidine.
Molecular consequence: missense variant.
Genome position (GRCh38, 1-based): chr10:96,709,884, C>T on the plus strand (G>A on the coding strand, the complement: PIK3AP1 is on the minus strand). VCF-style: chr10-96709884-C-T. GRCh37 (hg19) VCF-style: chr10-98469641-C-T.
Other names: short protein forms R38H.
Identifiers: ClinVar variation 858320 (VCV000858320.8), dbSNP rs770855063, ClinGen allele CA5626609.

ClinVar aggregate classification (germline): Uncertain significance. Review status: criteria provided, multiple submitters, no conflicts (2 of 4 stars). 2 submissions from 2 submitters: Uncertain significance (2). Last evaluated 2024-05-21.

Conditions:
Infantile spasms. Also called: Infantile spasm. Identifiers: MedGen C3887898, HP:0012469.

gnomAD v4.1: 11 of 1,613,550 alleles (0.00068%); highest among the groups gnomAD compares: East Asian, 0.0022%; no homozygotes.

Submissions (2):

Ambry Genetics
Classification: Uncertain significance. Last evaluated: 2024-05-21. Review status: criteria provided, single submitter. Criteria: Ambry Variant Classification Scheme 2023. Collection method: clinical testing. Allele origin: germline.

Labcorp Genetics (formerly Invitae), Labcorp
Classification: Uncertain significance for Infantile spasms. Last evaluated: 2019-11-26. Review status: criteria provided, single submitter. Criteria: Invitae Variant Classification Sherloc (09022015). Collection method: clinical testing. Allele origin: germline.
Comment: In summary, the available evidence is currently insufficient to determine the role of this variant in disease. Therefore, it has been classified as a Variant of Uncertain Significance. Algorithms developed to predict the effect of missense changes on protein structure and function output the following: SIFT: "Tolerated"; PolyPhen-2: "Benign"; Align-GVGD: "Class C0". The histidine amino acid residue is found in multiple mammalian species, suggesting that this missense change does not adversely affect protein function. These predictions have not been confirmed by published functional studies and their clinical significance is uncertain. This variant has not been reported in the literature in individuals with PIK3AP1-related conditions. This variant is present in population databases (rs770855063, ExAC 0.002%). This sequence change replaces arginine with histidine at codon 38 of the PIK3AP1 protein (p.Arg38His). The arginine residue is moderately conserved and there is a small physicochemical difference between arginine and histidine.